The following is an entry in ClinVar:

NM_001130823.3(DNMT1):c.2092A>T (p.Ser698Cys)

Gene: DNMT1 (DNA methyltransferase 1; minus strand). Cytogenetic location: 19p13.2.
Variant type: single nucleotide variant.
Coding change: c.2092A>T on transcript NM_001130823.3 (MANE Select); coding-DNA position 2092, A replaced by T.
Protein change: p.Ser698Cys; replaces serine 698 with cysteine.
Molecular consequence: missense variant.
Genome position (GRCh38, 1-based): chr19:10,151,775, T>A on the plus strand (A>T on the coding strand, the complement: DNMT1 is on the minus strand). VCF-style: chr19-10151775-T-A. GRCh37 (hg19) VCF-style: chr19-10262451-T-A.
Other names: c.2092A>T (NM_001130823.2); c.2044A>T, p.Ser682Cys (NM_001318730.2, NM_001379.4); c.1729A>T, p.Ser577Cys (NM_001318731.2); short protein forms S577C, S682C, S698C.
Identifiers: ClinVar variation 810932 (VCV000810932.19), dbSNP rs1029809799, ClinGen allele CA305171791.

ClinVar aggregate classification (germline): Uncertain significance. Review status: criteria provided, multiple submitters, no conflicts (2 of 4 stars). 4 submissions from 4 submitters: Uncertain significance (4). Last evaluated 2026-05-07.

Conditions:
DNMT1-related disorder. Also called: DNMT1-related condition. Identifiers: MedGen CN381527.
Inborn genetic diseases. Identifiers: MedGen C0950123, MeSH D030342.
Hereditary sensory neuropathy-deafness-dementia syndrome. Also called: Hereditary Sensory and Autonomic Neuropathy Type 1E (HSAN1E); NEUROPATHY, HEREDITARY SENSORY, WITH HEARING LOSS AND DEMENTIA; HSN IE; Hereditary sensory neuropathy type IE. Identifiers: Orphanet 456318, MedGen C3279885, MONDO:0013584, OMIM 614116.

Allele frequency attached by ClinVar (database versions not stated): gnomAD exomes below 0.00001 and 0.00001.
gnomAD v4.1: 4 of 1,614,186 alleles (0.00025%); highest among the groups gnomAD compares: Non-Finnish European, 0.00034%; no homozygotes.

Submissions (4):

PreventionGenetics, part of Exact Sciences
Classification: Uncertain significance for DNMT1-related condition. Last evaluated: 2026-05-07. Review status: criteria provided, single submitter. Criteria: ACMG Guidelines, 2015. Collection method: clinical testing. Allele origin: germline.
Comment: The DNMT1 c.2092A>T variant is predicted to result in the amino acid substitution p.Ser698Cys. To our knowledge, this variant has not been reported in the literature. This variant is reported in 0.00088% of alleles in individuals of European (non-Finnish) descent in gnomAD. At this time, the clinical significance of this variant is uncertain due to the absence of conclusive functional and genetic evidence.

Labcorp Genetics (formerly Invitae), Labcorp
Classification: Uncertain significance for Hereditary sensory neuropathy-deafness-dementia syndrome. Last evaluated: 2023-04-04. Review status: criteria provided, single submitter. Criteria: Invitae Variant Classification Sherloc (09022015). Collection method: clinical testing. Allele origin: germline.
Comment: In summary, the available evidence is currently insufficient to determine the role of this variant in disease. Therefore, it has been classified as a Variant of Uncertain Significance. Advanced modeling of protein sequence and biophysical properties (such as structural, functional, and spatial information, amino acid conservation, physicochemical variation, residue mobility, and thermodynamic stability) performed at Invitae indicates that this missense variant is not expected to disrupt DNMT1 protein function. This sequence change replaces serine, which is neutral and polar, with cysteine, which is neutral and slightly polar, at codon 698 of the DNMT1 protein (p.Ser698Cys). This variant is present in population databases (no rsID available, gnomAD 0.0009%). This variant has not been reported in the literature in individuals affected with DNMT1-related conditions. ClinVar contains an entry for this variant (Variation ID: 810932).

Ambry Genetics
Classification: Uncertain significance for Inborn genetic diseases. Last evaluated: 2022-09-09. Review status: criteria provided, single submitter. Criteria: Ambry Variant Classification Scheme 2023. Collection method: clinical testing. Allele origin: germline.
Comment: The p.S682C variant (also known as c.2044A>T), located in coding exon 22 of the DNMT1 gene, results from an A to T substitution at nucleotide position 2044. The serine at codon 682 is replaced by cysteine, an amino acid with dissimilar properties. This amino acid position is well conserved in available vertebrate species. In addition, this alteration is predicted to be tolerated by in silico analysis. Since supporting evidence is limited at this time, the clinical significance of this alteration remains unclear.

ARUP Laboratories, Molecular Genetics and Genomics, ARUP Laboratories
Classification: Uncertain significance. Last evaluated: 2019-05-02. Review status: criteria provided, single submitter. Criteria: ARUP Molecular Germline Variant Investigation Process. Collection method: clinical testing. Allele origin: germline.
Comment: The DNMT1 c.2092A>T, p.Ser698Cys variant (rs1029809799), to our knowledge, has not been reported in the medical literature or gene specific databases. The p.Ser698Cys variant is found on a single chromosome in the Genome Aggregation Database. The serine at codon 698 is highly conserved (Alamut v.2.11) and computational analyses (SIFT, PolyPhen-2) predict that this variant is deleterious. However, based on the available information, the clinical significance of this variant is uncertain.